The following is an entry in ClinVar:

ClinVar aggregate classification (germline): Pathogenic (1 of 4 stars; one submission).

Conditions:
Hereditary spastic paraplegia 7 (SPG7). Also called: SPASTIC PARAPLEGIA 7, AUTOSOMAL RECESSIVE, WITH OR WITHOUT CEREBELLAR ATAXIA; Spastic paraplegia 7; Hereditary spastic paraplegia Paraplegin type; Autosomal recessive spastic paraplegia type 7; SPG7-related neurologic disorder. Identifiers: Orphanet 99013, MedGen C1846564, MONDO:0011803, OMIM 607259.

Submission:

Labcorp Genetics (formerly Invitae), Labcorp
Classification: Pathogenic for Hereditary spastic paraplegia 7. Last evaluated: 2016-02-11. Review status: criteria provided, single submitter. Criteria: Invitae Variant Classification Sherloc (09022015). Collection method: clinical testing. Allele origin: germline.
Comment: For these reasons, this variant has been classified as Pathogenic. This variant is an out-of-frame deletion of the genomic region encompassing exons 12-13 of the SPG7 gene. The precise impact of this deletion on mRNA splicing is unknown, however it is anticipated to result in a truncated protein product. This variant is not present in population databases (ExAC no frequency) and has not been reported in the literature in individuals with a SPG7-related disease. While this particular deletion has not been reported in the literature, loss of function variants in SPG7 are known to be pathogenic (PMID: 14985266, 9635427) and similar deletions have been reported in individuals affected with hereditary spastic paraplegia (PMID: 23065789, 22571692).

Literature cited by the submitters: PubMed 14985266; PubMed 9635427; PubMed 23065789; PubMed 22571692.

NC_000016.9:g.(?_89614405)_(89617023_?)del

Gene: SPG7 (SPG7 matrix AAA peptidase subunit, paraplegin; plus strand). Cytogenetic location: 16q24.3.
Variant type: Deletion.
Identifiers: ClinVar variation 1076753 (VCV001076753.7).